The following is an entry in ClinVar:

ClinVar aggregate classification (germline): Uncertain significance (1 of 4 stars; one submission).

Submission:

GeneDx
Classification: Uncertain significance. Last evaluated: 2014-10-30. Review status: criteria provided, single submitter. Criteria: GeneDx Variant Classification (06012015). Collection method: clinical testing. Allele origin: germline. Affected: yes.
Comment: p.Asn156Asp (AAT>GAT): c.466 A>G in exon 6 of the FBN1 gene (NM_000138.4) A variant of unknown significance has been identified in the FBN1 gene. The N156D variant has not been published as a mutation, nor has it been reported as a benign polymorphism to our knowledge. The N156D variant was not observed in approximately 6,500 individuals of European and African American ancestry in the NHLBI Exome Sequencing Project, indicating it is not a common benign variant in these populations. The N156D variant is a semi-conservative amino acid substitution, which may impact secondary protein structure as these residues differ in some properties. Additionally, this substitution occurs at a position that is conserved across species. Furthermore, missense mutations in nearby residues (P148S, C154S, C160G, C160Y, N164S, C166S) have been reported in association with Marfan syndrome, supporting the functional importance of this region of the protein. Nevertheless, in silico analysis is inconsistent in its predictions as to whether or not the variant is damaging to the protein structure/function. Therefore, based on the currently available information, it is unclear whether this variant is a pathogenic mutation or a rare benign variant. The variant is found in TAAD panel(s).

NM_000138.5(FBN1):c.466A>G (p.Asn156Asp)

Gene: FBN1 (fibrillin 1; minus strand). Cytogenetic location: 15q21.1.
Variant type: single nucleotide variant.
Coding change: c.466A>G on transcript NM_000138.5 (MANE Select); coding-DNA position 466, A replaced by G.
Protein change: p.Asn156Asp; replaces asparagine 156 with aspartic acid.
Molecular consequence: missense variant.
Genome position (GRCh38, 1-based): chr15:48,596,355, T>C on the plus strand (A>G on the coding strand, the complement: FBN1 is on the minus strand). VCF-style: chr15-48596355-T-C. GRCh37 (hg19) VCF-style: chr15-48888552-T-C.
Other names: p.N156D:AAT>GAT; short protein forms N156D.
Identifiers: ClinVar variation 200203 (VCV000200203.2), dbSNP rs746352371, ClinGen allele CA015281.